The following is an entry in ClinVar:

ClinVar aggregate classification (germline): Uncertain significance. Review status: criteria provided, multiple submitters, no conflicts (2 of 4 stars). 2 submissions from 2 submitters: Uncertain significance (2). Last evaluated 2025-03-28.

Conditions:
Hereditary cancer-predisposing syndrome. Also called: Neoplastic Syndromes, Hereditary; Hereditary neoplastic syndrome; Tumor predisposition; Hereditary Cancer Syndrome. Identifiers: Orphanet 140162, MedGen C0027672, MeSH D009386, MONDO:0015356.

Submissions (2):

Labcorp Genetics (formerly Invitae), Labcorp
Classification: Uncertain significance. Last evaluated: 2025-03-28. Review status: criteria provided, single submitter. Criteria: Invitae Variant Classification Sherloc (09022015). Collection method: clinical testing. Allele origin: germline.
Comment: This sequence change affects codon 867 of the POLE mRNA. It is a 'silent' change, meaning that it does not change the encoded amino acid sequence of the POLE protein. This variant is not present in population databases (gnomAD no frequency). This variant has not been reported in the literature in individuals affected with POLE-related conditions. ClinVar contains an entry for this variant (Variation ID: 2856492). Algorithms developed to predict the effect of sequence changes on RNA splicing suggest that this variant may create or strengthen a splice site. In summary, the available evidence is currently insufficient to determine the role of this variant in disease. Therefore, it has been classified as a Variant of Uncertain Significance.

Ambry Genetics
Classification: Uncertain significance for Hereditary cancer-predisposing syndrome. Last evaluated: 2025-02-25. Review status: criteria provided, single submitter. Criteria: Ambry Variant Classification Scheme 2023. Collection method: clinical testing. Allele origin: germline.
Comment: The c.2601C>T variant (also known as p.V867V), located in coding exon 23 of the POLE gene, results from a C to T substitution at nucleotide position 2601. This nucleotide substitution does not change the valine at codon 867. This nucleotide position is not well conserved in available vertebrate species. In silico splice site analysis predicts that this alteration may result in the creation or strengthening of a novel splice acceptor site. Based on the available evidence, the clinical significance of this variant remains unclear.

NM_006231.4(POLE):c.2601C>T (p.Val867=)

Gene: POLE (DNA polymerase epsilon, catalytic subunit; minus strand). Cytogenetic location: 12q24.33.
Variant type: single nucleotide variant.
Coding change: c.2601C>T on transcript NM_006231.4 (MANE Select); coding-DNA position 2601, C replaced by T.
Protein change: p.Val867=; no amino-acid change (valine 867 retained).
Molecular consequence: synonymous variant.
Genome position (GRCh38, 1-based): chr12:132,664,109, G>A on the plus strand (C>T on the coding strand, the complement: POLE is on the minus strand). VCF-style: chr12-132664109-G-A. GRCh37 (hg19) VCF-style: chr12-133240695-G-A.
Other names: c.2601C>T (NM_006231.2).
Identifiers: ClinVar variation 2856492 (VCV002856492.4), dbSNP rs2135956993, ClinGen allele CA482737329.